The following is an entry in ClinVar:

NM_018163.3(DNAJC17):c.892G>A (p.Asp298Asn)

Gene: DNAJC17 (DnaJ heat shock protein family (Hsp40) member C17; minus strand). Cytogenetic location: 15q15.1.
Variant type: single nucleotide variant.
Coding change: c.892G>A on transcript NM_018163.3 (MANE Select); coding-DNA position 892, G replaced by A.
Protein change: p.Asp298Asn; replaces aspartic acid 298 with asparagine.
Molecular consequence: missense variant.
Genome position (GRCh38, 1-based): chr15:40,767,963, C>T on the plus strand (G>A on the coding strand, the complement: DNAJC17 is on the minus strand). VCF-style: chr15-40767963-C-T. GRCh37 (hg19) VCF-style: chr15-41060161-C-T.
Other names: short protein forms D298N.
Identifiers: ClinVar variation 2103696 (VCV002103696.4), dbSNP rs2504645824, ClinGen allele CA391756477.

ClinVar aggregate classification (germline): Uncertain significance (1 of 4 stars; one submission).

Submission:

Labcorp Genetics (formerly Invitae), Labcorp
Classification: Uncertain significance. Last evaluated: 2022-02-25. Review status: criteria provided, single submitter. Criteria: Invitae Variant Classification Sherloc (09022015). Collection method: clinical testing. Allele origin: germline.
Comment: This variant is not present in population databases (gnomAD no frequency). This sequence change replaces aspartic acid, which is acidic and polar, with asparagine, which is neutral and polar, at codon 298 of the DNAJC17 protein (p.Asp298Asn). This variant has not been reported in the literature in individuals affected with DNAJC17-related conditions. In summary, the available evidence is currently insufficient to determine the role of this variant in disease. Therefore, it has been classified as a Variant of Uncertain Significance. Algorithms developed to predict the effect of missense changes on protein structure and function are either unavailable or do not agree on the potential impact of this missense change (SIFT: "Deleterious"; PolyPhen-2: "Possibly Damaging"; Align-GVGD: "Class C0").